The following is an entry in ClinVar:

NM_001401501.2(MUC16):c.8508T>C (p.Ala2836=)

Gene: MUC16 (mucin 16, cell surface associated; minus strand). Cytogenetic location: 19p13.2.
Variant type: single nucleotide variant.
Coding change: c.8508T>C on transcript NM_001401501.2 (MANE Select); coding-DNA position 8508, T replaced by C.
Protein change: p.Ala2836=; no amino-acid change (alanine 2836 retained).
Molecular consequence: synonymous variant.
Genome position (GRCh38, 1-based): chr19:8,972,751, A>G on the plus strand (T>C on the coding strand, the complement: MUC16 is on the minus strand). VCF-style: chr19-8972751-A-G. GRCh37 (hg19) VCF-style: chr19-9083427-A-G.
Other names: c.8934T>C, p.Ala2978= (NM_001414686.1); c.8388T>C, p.Ala2796= (NM_001414687.1, NM_024690.2).
Identifiers: ClinVar variation 3058858 (VCV003058858.2), dbSNP rs1609453, ClinGen allele CA9171975.

ClinVar aggregate classification (germline): Benign (0 of 4 stars; one submission).

Conditions:
MUC16-related disorder. Also called: MUC16-related condition.

Allele frequency attached by ClinVar (database versions not stated): ESP Exome Variant Server 0.16869; gnomAD 0.18541; gnomAD exomes 0.18768; TOPMed 0.18877; ExAC 0.20247; 1000 Genomes Project 30x 0.21127; 1000 Genomes Project 0.21266.

Submission:

PreventionGenetics, part of Exact Sciences
Classification: Benign for MUC16-related condition. Last evaluated: 2019-10-18. Review status: no assertion criteria provided. Collection method: clinical testing. Allele origin: germline.
Comment: This variant is classified as benign based on ACMG/AMP sequence variant interpretation guidelines (Richards et al. 2015 PMID: 25741868, with internal and published modifications).